The following is an entry in ClinVar:

NM_144672.4(OTOA):c.1815_1818del (p.Cys605fs)

Gene: OTOA (otoancorin). Cytogenetic location: 16p12.2.
Variant type: Deletion.
Coding change: c.1815_1818del on transcript NM_144672.4 (MANE Select); coding-DNA positions 1815 to 1818, 4 bases deleted.
Protein change: p.Cys605fs; shifts the reading frame from cysteine 605.
Molecular consequence: frameshift variant.
Genome position: GRCh38 VCF-style: chr16-21722909-ATTGT-A. GRCh37 (hg19) VCF-style: chr16-21734230-ATTGT-A.
Other names: c.1578_1581del, p.Cys526fs (NM_001161683.2); c.843_846del, p.Cys281fs (NM_170664.3); short protein forms C281fs, C526fs, C605fs.
Identifiers: ClinVar variation 2972892 (VCV002972892.3), dbSNP rs2507049541, ClinGen allele CA2632221113.

ClinVar aggregate classification (germline): Pathogenic (1 of 4 stars; one submission).

Submission:

Labcorp Genetics (formerly Invitae), Labcorp
Classification: Pathogenic. Last evaluated: 2023-04-26. Review status: criteria provided, single submitter. Criteria: Invitae Variant Classification Sherloc (09022015). Collection method: clinical testing. Allele origin: germline.
Comment: For these reasons, this variant has been classified as Pathogenic. This variant has not been reported in the literature in individuals affected with OTOA-related conditions. This variant is not present in population databases (gnomAD no frequency). This sequence change creates a premature translational stop signal (p.Cys605Trpfs*38) in the OTOA gene. It is expected to result in an absent or disrupted protein product. Loss-of-function variants in OTOA are known to be pathogenic (PMID: 11972037).

Literature cited by the submitters: PubMed 11972037.